The following is an entry in ClinVar:

NM_000548.5(TSC2):c.2842A>C (p.Arg948=)

Gene: TSC2 (TSC complex subunit 2; plus strand). Cytogenetic location: 16p13.3.
Variant type: single nucleotide variant.
Coding change: c.2842A>C on transcript NM_000548.5 (MANE Select); coding-DNA position 2842, A replaced by C.
Protein change: p.Arg948=; no amino-acid change (arginine 948 retained).
Molecular consequence: synonymous variant. On other transcripts: intron variant (9).
Genome position (GRCh38, 1-based): chr16:2,077,602, A>C. VCF-style: chr16-2077602-A-C. GRCh37 (hg19) VCF-style: chr16-2127603-A-C.
Other names: c.2842A>C, p.Arg948= (NM_001114382.3); c.2837+1017A>C (NM_021055.3, NM_001370405.1, NM_001363528.2 and 2 more transcripts); c.2726+1017A>C (NM_001318827.2); c.2237+1017A>C (NM_001318831.2); c.2690+1017A>C (NM_001318829.2); c.2870+1017A>C (NM_001318832.2).
Identifiers: ClinVar variation 710308 (VCV000710308.15), dbSNP rs770710202, ClinGen allele CA042388.

ClinVar aggregate classification (germline): Benign/Likely benign. Review status: criteria provided, multiple submitters, no conflicts (2 of 4 stars). 4 submissions from 4 submitters: Benign (1); Likely benign (3). Last evaluated 2025-05-27.

Conditions:
Hereditary cancer-predisposing syndrome. Also called: Tumor predisposition; Hereditary neoplastic syndrome; Neoplastic Syndromes, Hereditary; Hereditary Cancer Syndrome. Identifiers: Orphanet 140162, MedGen C0027672, MeSH D009386, MONDO:0015356.
Tuberous sclerosis 2 (TSC2). Identifiers: Orphanet 805, MedGen C1860707, MONDO:0013199, OMIM 613254.
Tuberous sclerosis syndrome (TSC). Also called: Tuberous Sclerosis Complex; Tuberous sclerosis. Identifiers: Orphanet 805, MedGen C0041341, MONDO:0001734.

Allele frequency attached by ClinVar (database versions not stated): gnomAD exomes below 0.00001; ExAC 0.00001.
gnomAD v4.1: 5 of 1,612,984 alleles (0.00031%); highest among the groups gnomAD compares: Non-Finnish European, 0.00025%; no homozygotes.

Submissions (4):

Myriad Genetics, Inc.
Classification: Benign for Tuberous sclerosis 2. Last evaluated: 2025-05-27. Review status: criteria provided, single submitter. Criteria: Myriad Autosomal Dominant, Autosomal Recessive and X-Linked Classification Criteria (2023). Collection method: clinical testing. Allele origin: unknown.
Comment: This variant is considered benign. This variant is a silent/synonymous amino acid change and it is not expected to impact splicing.

Labcorp Genetics (formerly Invitae), Labcorp
Classification: Likely benign for Tuberous sclerosis 2. Last evaluated: 2024-05-11. Review status: criteria provided, single submitter. Criteria: Invitae Variant Classification Sherloc (09022015). Collection method: clinical testing. Allele origin: germline.

Color Diagnostics, LLC DBA Color Health
Classification: Likely benign for Tuberous sclerosis syndrome. Last evaluated: 2022-09-28. Review status: criteria provided, single submitter. Criteria: ACMG Guidelines, 2015. Collection method: clinical testing. Allele origin: germline.

Ambry Genetics
Classification: Likely benign for Hereditary cancer-predisposing syndrome. Last evaluated: 2022-03-29. Review status: criteria provided, single submitter. Criteria: Ambry Variant Classification Scheme 2023. Collection method: clinical testing. Allele origin: germline.